The following is an entry in ClinVar:

NM_206933.4(USH2A):c.14254G>C (p.Val4752Leu)

Gene: USH2A (usherin; minus strand). Cytogenetic location: 1q41.
Variant type: single nucleotide variant.
Coding change: c.14254G>C on transcript NM_206933.4 (MANE Select); coding-DNA position 14254, G replaced by C.
Protein change: p.Val4752Leu; replaces valine 4752 with leucine.
Molecular consequence: missense variant.
Genome position (GRCh38, 1-based): chr1:215,650,681, C>G on the plus strand (G>C on the coding strand, the complement: USH2A is on the minus strand). VCF-style: chr1-215650681-C-G. GRCh37 (hg19) VCF-style: chr1-215824023-C-G.
Other names: short protein forms V4752L.
Identifiers: ClinVar variation 2180824 (VCV002180824.2), dbSNP rs770161970, ClinGen allele CA1393081.
Genomic context (GRCh38, chr1:215,650,681, plus strand): 5'-AGAACAGCCTGTAGAGACTGACGATCCCGTTGGGCTTCCCAGGGGCACTGATGTTGACCA[C>G]TGCTTGGGTAGAAGAGATCACATGGAACGTGGGGGCTCTGAGACCTTCTGGTGGGGCTGG-3'
Protein context (NP_996816.3, residues 4742-4762): TFHVISSTQA[Val4752Leu]VNISAPGKPN

ClinVar aggregate classification (germline): Uncertain significance. Review status: criteria provided, multiple submitters, no conflicts (2 of 4 stars). 2 submissions from 2 submitters: Uncertain significance (2). Last evaluated 2024-09-18.

gnomAD v4.1: 15 of 1,613,980 alleles (0.00093%); highest among the groups gnomAD compares: Admixed American, 0.012%; no homozygotes.

Submissions (2):

Blueprint Genetics
Classification: Uncertain significance. Last evaluated: 2024-09-18. Review status: criteria provided, single submitter. Criteria: ACMG Guidelines, 2015. Collection method: clinical testing. Allele origin: germline.

Labcorp Genetics (formerly Invitae), Labcorp
Classification: Uncertain significance. Last evaluated: 2022-08-18. Review status: criteria provided, single submitter. Criteria: Invitae Variant Classification Sherloc (09022015). Collection method: clinical testing. Allele origin: germline.
Comment: This sequence change replaces valine, which is neutral and non-polar, with leucine, which is neutral and non-polar, at codon 4752 of the USH2A protein (p.Val4752Leu). This variant is present in population databases (rs770161970, gnomAD 0.02%). This variant has not been reported in the literature in individuals affected with USH2A-related conditions. Algorithms developed to predict the effect of missense changes on protein structure and function are either unavailable or do not agree on the potential impact of this missense change (SIFT: "Deleterious"; PolyPhen-2: "Benign"; Align-GVGD: "Class C0"). In summary, the available evidence is currently insufficient to determine the role of this variant in disease. Therefore, it has been classified as a Variant of Uncertain Significance.